The following is an entry in ClinVar:

NM_004991.4(MECOM):c.1379G>T (p.Ser460Ile)

Gene: MECOM (MDS1 and EVI1 complex locus; minus strand). Cytogenetic location: 3q26.2.
Variant type: single nucleotide variant.
Coding change: c.1379G>T on transcript NM_004991.4 (MANE Select); coding-DNA position 1379, G replaced by T.
Protein change: p.Ser460Ile; replaces serine 460 with isoleucine.
Molecular consequence: missense variant. On other transcripts: intron variant (2).
Genome position (GRCh38, 1-based): chr3:169,116,493, C>A on the plus strand (G>T on the coding strand, the complement: MECOM is on the minus strand). VCF-style: chr3-169116493-C-A. GRCh37 (hg19) VCF-style: chr3-168834281-C-A.
Other names: c.1010G>T, p.Ser337Ile (NM_001105077.4); c.815G>T, p.Ser272Ile (NM_001105078.4, NM_001164000.2, NM_001205194.2 and 4 more transcripts); c.818G>T, p.Ser273Ile (NM_001163999.2, NM_001366467.2, NM_001366468.2 and 1 more transcripts); c.1379G>T, p.Ser460Ile (NM_001366466.2); c.1133-726G>T (NM_001366473.2); c.569-726G>T (NM_001366474.2); short protein forms S272I, S273I, S337I, S460I.
Identifiers: ClinVar variation 4859729 (VCV004859729.1).
Genomic context (GRCh38, chr3:169,116,493, plus strand): 5'-GTAAGACCAGCAGGATGCCTATTGGCGCCAAAATAGTCAGCAAGGCCCGGGTTGGCATGA[C>A]TCATATTAACCATGGACGTTTTATCCATAGCTGGGGTTCCAGGAAGTGAAATGCCTTGGC-3'
Protein context (NP_004982.2, residues 450-470): AMDKTSMVNM[Ser460Ile]HANPGLADYF

ClinVar aggregate classification (germline): Uncertain significance (1 of 4 stars; one submission).

Conditions:
Inborn genetic diseases. Identifiers: MedGen C0950123, MeSH D030342.

gnomAD v4.1: 1 of 1,614,172 alleles (0.000062%); no homozygotes.

Submission:

Ambry Genetics
Classification: Uncertain significance for Inborn genetic diseases. Last evaluated: 2026-04-08. Review status: criteria provided, single submitter. Criteria: Ambry Variant Classification Scheme 2023. Collection method: clinical testing. Allele origin: germline.
Comment: The p.S460I variant (also known as c.1379G>T), located in coding exon 8 of the MECOM gene, results from a G to T substitution at nucleotide position 1379. The serine at codon 460 is replaced by isoleucine, an amino acid with dissimilar properties. This amino acid position is conserved. In addition, this alteration is predicted to be tolerated by in silico analysis. Based on the available evidence, the clinical significance of this variant remains unclear.